The following is an entry in ClinVar:

ClinVar aggregate classification (germline): Conflicting classifications of pathogenicity. Review status: criteria provided, conflicting classifications (1 of 4 stars). 2 submissions from 2 submitters: Uncertain significance (1); Likely benign (1). Last evaluated 2026-09-11.

Conditions:
Hereditary cancer-predisposing syndrome. Also called: Hereditary Cancer Syndrome; Hereditary neoplastic syndrome; Neoplastic Syndromes, Hereditary; Tumor predisposition. Identifiers: Orphanet 140162, MedGen C0027672, MeSH D009386, MONDO:0015356.
Renal cell carcinoma. Identifiers: Orphanet 217071, MedGen C0007134, MeSH D002292, MONDO:0005086, HP:0005584.

gnomAD v4.1: 1 of 1,613,974 alleles (0.000062%); highest among the groups gnomAD compares: Non-Finnish European, 0.000085%; no homozygotes.

Submissions (2):

Ambry Genetics
Classification: Likely benign for Hereditary cancer-predisposing syndrome. Last evaluated: 2026-09-11. Review status: criteria provided, single submitter. Criteria: Ambry Variant Classification Scheme 2023. Collection method: clinical testing. Allele origin: germline.

Labcorp Genetics (formerly Invitae), Labcorp
Classification: Uncertain significance for Renal cell carcinoma. Last evaluated: 2024-10-23. Review status: criteria provided, single submitter. Criteria: Invitae Variant Classification Sherloc (09022015). Collection method: clinical testing. Allele origin: germline.
Comment: This sequence change replaces serine, which is neutral and polar, with tyrosine, which is neutral and polar, at codon 203 of the MET protein (p.Ser203Tyr). This variant is not present in population databases (gnomAD no frequency). This variant has not been reported in the literature in individuals affected with MET-related conditions. Invitae Evidence Modeling of protein sequence and biophysical properties (such as structural, functional, and spatial information, amino acid conservation, physicochemical variation, residue mobility, and thermodynamic stability) indicates that this missense variant is not expected to disrupt MET protein function with a negative predictive value of 80%. In summary, the available evidence is currently insufficient to determine the role of this variant in disease. Therefore, it has been classified as a Variant of Uncertain Significance.

NM_000245.4(MET):c.608C>A (p.Ser203Tyr)

Gene: MET (MET proto-oncogene, receptor tyrosine kinase; plus strand). Cytogenetic location: 7q31.2.
Variant type: single nucleotide variant.
Coding change: c.608C>A on transcript NM_000245.4 (MANE Select); coding-DNA position 608, C replaced by A.
Protein change: p.Ser203Tyr; replaces serine 203 with tyrosine.
Molecular consequence: missense variant. On other transcripts: intron variant (1).
Genome position (GRCh38, 1-based): chr7:116,699,692, C>A. VCF-style: chr7-116699692-C-A. GRCh37 (hg19) VCF-style: chr7-116339746-C-A.
Other names: c.608C>A, p.Ser203Tyr (NM_001127500.3, NM_001324401.3); c.-91+27115C>A (NM_001324402.2); short protein forms S203Y.
Identifiers: ClinVar variation 3018827 (VCV003018827.5), dbSNP rs2116593187, ClinGen allele CA368969451.